The following is an entry in ClinVar:

NM_000135.4(FANCA):c.454G>C (p.Ala152Pro)

Gene: FANCA (FA complementation group A; minus strand). Cytogenetic location: 16q24.3.
Variant type: single nucleotide variant.
Coding change: c.454G>C on transcript NM_000135.4 (MANE Select); coding-DNA position 454, G replaced by C.
Protein change: p.Ala152Pro; replaces alanine 152 with proline.
Molecular consequence: missense variant. On other transcripts: intron variant (1).
Genome position (GRCh38, 1-based): chr16:89,810,775, C>G on the plus strand (G>C on the coding strand, the complement: FANCA is on the minus strand). VCF-style: chr16-89810775-C-G. GRCh37 (hg19) VCF-style: chr16-89877183-C-G.
Other names: c.454G>C (NM_000135.2); c.454G>C, p.Ala152Pro (NM_001018112.3, NM_001286167.3); c.426+154G>C (NM_001351830.2); short protein forms A152P.
Identifiers: ClinVar variation 1335236 (VCV001335236.35), dbSNP rs2143677716, ClinGen allele CA397480786.
Genomic context (GRCh38, chr16:89,810,775, plus strand): 5'-TCCATAATTCTTGACAGAAGGAAAGACGGGAGAACATACTGTGTGCCAATAAATACTGAG[C>G]AAACTCTAACAGGGAAGACAGCTTCTTCTGAAAAGAGAGATTACATTTTTTAAAAAACAA-3'
Protein context (NP_000126.2, residues 142-162): RKKLSSLLEF[Ala152Pro]QYLLAHSMFS

ClinVar aggregate classification (germline): Uncertain significance. Review status: criteria provided, multiple submitters, no conflicts (2 of 4 stars). 2 submissions from 2 submitters: Uncertain significance (2). Last evaluated 2025-11-11.

Conditions:
Inborn genetic diseases. Identifiers: MedGen C0950123, MeSH D030342.

Submissions (2):

Ambry Genetics
Classification: Uncertain significance for Inborn genetic diseases. Last evaluated: 2025-11-11. Review status: criteria provided, single submitter. Criteria: Ambry Variant Classification Scheme 2023. Collection method: clinical testing. Allele origin: germline.
Comment: The p.A152P variant (also known as c.454G>C), located in coding exon 5 of the FANCA gene, results from a G to C substitution at nucleotide position 454. The alanine at codon 152 is replaced by proline, an amino acid with highly similar properties. This amino acid position is conserved. In addition, this alteration is predicted to be tolerated by in silico analysis. Based on the available evidence, the clinical significance of this variant remains unclear.

CeGaT Center for Human Genetics Tuebingen
Classification: Uncertain significance. Last evaluated: 2021-10-01. Review status: criteria provided, single submitter. Criteria: CeGaT Center For Human Genetics Tuebingen Variant Classification Criteria Version 2. Collection method: clinical testing. Allele origin: germline. Affected: yes. Observed: 1 variant allele.